The following is an entry in ClinVar:

NM_001267550.2(TTN):c.78745G>A (p.Ala26249Thr)

Genes: TTN (titin; minus strand), TTN-AS1 (TTN antisense RNA 1; plus strand). Cytogenetic location: 2q31.2.
Variant type: single nucleotide variant.
Coding change: c.78745G>A on transcript NM_001267550.2 (MANE Select); coding-DNA position 78745, G replaced by A.
Protein change: p.Ala26249Thr; replaces alanine 26249 with threonine.
Molecular consequence: missense variant.
Genome position (GRCh38, 1-based): chr2:178,567,387, C>T on the plus strand (G>A on the coding strand, the complement: TTN is on the minus strand). VCF-style: chr2-178567387-C-T. GRCh37 (hg19) VCF-style: chr2-179432114-C-T.
Other names: c.73822G>A, p.Ala24608Thr (NM_001256850.1); c.51550G>A, p.Ala17184Thr (NM_003319.4); c.71041G>A, p.Ala23681Thr (NM_133378.4); c.51925G>A, p.Ala17309Thr (NM_133432.3); c.52126G>A, p.Ala17376Thr (NM_133437.4); short protein forms A17184T, A17309T, A24608T, A26249T, A23681T, A17376T.
Identifiers: ClinVar variation 5009959 (VCV005009959.1).

ClinVar aggregate classification (germline): Uncertain significance (1 of 4 stars; one submission).

gnomAD v4.1: 1 of 1,598,288 alleles (0.000063%); highest among the groups gnomAD compares: Non-Finnish European, 0.000085%; no homozygotes.

Submission:

GeneDx
Classification: Uncertain significance. Last evaluated: 2026-02-24. Review status: criteria provided, single submitter. Criteria: GeneDx Variant Classification Process June 2021. Collection method: clinical testing. Allele origin: germline.
Comment: Not observed at significant frequency in large population cohorts (gnomAD); Missense variant in a gene in which most reported pathogenic variants are truncating/loss of function; Has not been previously published as pathogenic or benign to our knowledge